The following is an entry in ClinVar:

ClinVar aggregate classification (germline): Uncertain significance (1 of 4 stars; one submission).

gnomAD v4.1: 1 of 1,614,060 alleles (0.000062%); highest among the groups gnomAD compares: Non-Finnish European, 0.000085%; no homozygotes.

Submission:

Labcorp Genetics (formerly Invitae), Labcorp
Classification: Uncertain significance. Last evaluated: 2023-10-22. Review status: criteria provided, single submitter. Criteria: Invitae Variant Classification Sherloc (09022015). Collection method: clinical testing. Allele origin: germline.
Comment: This sequence change replaces glycine, which is neutral and non-polar, with alanine, which is neutral and non-polar, at codon 1522 of the SRCAP protein (p.Gly1522Ala). This variant is not present in population databases (gnomAD no frequency). This variant has not been reported in the literature in individuals affected with SRCAP-related conditions. Advanced modeling of protein sequence and biophysical properties (such as structural, functional, and spatial information, amino acid conservation, physicochemical variation, residue mobility, and thermodynamic stability) performed at Invitae indicates that this missense variant is not expected to disrupt SRCAP protein function. In summary, the available evidence is currently insufficient to determine the role of this variant in disease. Therefore, it has been classified as a Variant of Uncertain Significance.

NM_006662.3(SRCAP):c.4565G>C (p.Gly1522Ala)

Gene: SRCAP (Snf2 related CREBBP activator protein; plus strand). Cytogenetic location: 16p11.2.
Variant type: single nucleotide variant.
Coding change: c.4565G>C on transcript NM_006662.3 (MANE Select); coding-DNA position 4565, G replaced by C.
Protein change: p.Gly1522Ala; replaces glycine 1522 with alanine.
Molecular consequence: missense variant.
Genome position (GRCh38, 1-based): chr16:30,723,989, G>C. VCF-style: chr16-30723989-G-C. GRCh37 (hg19) VCF-style: chr16-30735310-G-C.
Other names: short protein forms G1522A.
Identifiers: ClinVar variation 2770653 (VCV002770653.3), dbSNP rs144776102, ClinGen allele CA395616218.